The following is an entry in ClinVar:

ClinVar aggregate classification (germline): Uncertain significance (1 of 4 stars; one submission).

Conditions:
Norman-Roberts syndrome (LIS2). Also called: Lissencephaly 2 (Norman-Roberts type). Identifiers: Orphanet 89844, MedGen C0796089, MONDO:0009760, OMIM 257320.
Familial temporal lobe epilepsy 7. Identifiers: Orphanet 101046, MedGen C4225327, MONDO:0014639, OMIM 616436.

Submission:

Labcorp Genetics (formerly Invitae), Labcorp
Classification: Uncertain significance for Familial temporal lobe epilepsy 7; Norman-Roberts syndrome. Last evaluated: 2020-11-04. Review status: criteria provided, single submitter. Criteria: Invitae Variant Classification Sherloc (09022015). Collection method: clinical testing. Allele origin: germline.
Comment: This sequence change replaces glutamine with glutamic acid at codon 1135 of the RELN protein (p.Gln1135Glu). The glutamine residue is highly conserved and there is a small physicochemical difference between glutamine and glutamic acid. This variant is not present in population databases (ExAC no frequency). In summary, the available evidence is currently insufficient to determine the role of this variant in disease. Therefore, it has been classified as a Variant of Uncertain Significance. Algorithms developed to predict the effect of missense changes on protein structure and function are either unavailable or do not agree on the potential impact of this missense change (SIFT: "Deleterious"; PolyPhen-2: "Probably Damaging"; Align-GVGD: "Class C0"). This variant has not been reported in the literature in individuals with RELN-related conditions.

NM_005045.4(RELN):c.3403C>G (p.Gln1135Glu)

Gene: RELN (reelin; minus strand). Cytogenetic location: 7q22.1.
Variant type: single nucleotide variant.
Coding change: c.3403C>G on transcript NM_005045.4 (MANE Select); coding-DNA position 3403, C replaced by G.
Protein change: p.Gln1135Glu; replaces glutamine 1135 with glutamic acid.
Molecular consequence: missense variant.
Genome position (GRCh38, 1-based): chr7:103,596,592, G>C on the plus strand (C>G on the coding strand, the complement: RELN is on the minus strand). VCF-style: chr7-103596592-G-C. GRCh37 (hg19) VCF-style: chr7-103237039-G-C.
Other names: c.3403C>G, p.Gln1135Glu (NM_173054.3); short protein forms Q1135E.
Identifiers: ClinVar variation 1021401 (VCV001021401.8), dbSNP rs1831542452, ClinGen allele CA368761073.